The following is an entry in ClinVar:

ClinVar aggregate classification (germline): Uncertain significance (1 of 4 stars; one submission).

Submission:

GeneDx
Classification: Uncertain significance. Last evaluated: 2025-01-24. Review status: criteria provided, single submitter. Criteria: GeneDx Variant Classification Process June 2021. Collection method: clinical testing. Allele origin: germline.
Comment: Not observed at significant frequency in large population cohorts (gnomAD); Canonical splice site variant in a gene or region of a gene for which loss of function is not a well-established mechanism of disease; Has not been previously published as pathogenic or benign to our knowledge

NM_001081550.2(THOC2):c.131-2A>T

Gene: THOC2 (THO complex subunit 2; minus strand). Cytogenetic location: Xq25.
Variant type: single nucleotide variant.
Coding change: c.131-2A>T on transcript NM_001081550.2 (MANE Select); the canonical splice acceptor site of the intron before coding-DNA position 131, A replaced by T.
Molecular consequence: splice acceptor variant.
Genome position (GRCh38, 1-based): chrX:123,706,951, T>A on the plus strand (A>T on the coding strand, the complement: THOC2 is on the minus strand). VCF-style: chrX-123706951-T-A. GRCh37 (hg19) VCF-style: chrX-122840801-T-A.
Identifiers: ClinVar variation 3573899 (VCV003573899.2).